The following is an entry in ClinVar:

NM_206933.4(USH2A):c.14131C>T (p.Gln4711Ter)

Gene: USH2A (usherin; minus strand). Cytogenetic location: 1q41.
Variant type: single nucleotide variant.
Coding change: c.14131C>T on transcript NM_206933.4 (MANE Select); coding-DNA position 14131, C replaced by T.
Protein change: p.Gln4711Ter; replaces glutamine 4711 with a stop codon.
Molecular consequence: nonsense.
Genome position (GRCh38, 1-based): chr1:215,670,974, G>A on the plus strand (C>T on the coding strand, the complement: USH2A is on the minus strand). VCF-style: chr1-215670974-G-A. GRCh37 (hg19) VCF-style: chr1-215844316-G-A.
Other names: p.Gln4711*; c.14131C>T (NM_206933.3); short protein forms Q4711*.
Identifiers: ClinVar variation 554236 (VCV000554236.48), dbSNP rs747063294, ClinGen allele CA1393147.

ClinVar aggregate classification (germline): Pathogenic. Review status: criteria provided, multiple submitters, no conflicts (2 of 4 stars). 17 submissions from 16 submitters: Pathogenic (13). 4 of the submissions do not count toward it. Last evaluated 2026-08-01.

Conditions:
USH2A-related disorder. Also called: USH2A-related disorders; USH2A-related condition. Identifiers: MedGen CN239332.
Retinitis pigmentosa 39 (RP39). Identifiers: Orphanet 791, MedGen C3151138, MONDO:0013436, OMIM 613809.
Usher syndrome type 2A. Also called: RETINAL DISEASE IN USHER SYNDROME TYPE IIA, MODIFIER OF; USHER SYNDROME, TYPE IIA. Identifiers: Orphanet 231178, Orphanet 886, MedGen C1848634, MONDO:0010169, OMIM 276901.
Retinal dystrophy. Also called: Inherited retinal dystrophy. Identifiers: Orphanet 71862, MedGen C0854723, MeSH D058499, MONDO:0019118, HP:0000556.

Allele frequency attached by ClinVar (database versions not stated): gnomAD exomes below 0.00001; TOPMed below 0.00001; ExAC 0.00001; gnomAD 0.00001.
gnomAD v4.1: 7 of 1,613,872 alleles (0.00043%); highest among the groups gnomAD compares: Non-Finnish European, 0.00059%; no homozygotes.

Submissions (17):

CeGaT Center for Human Genetics Tuebingen
Classification: Pathogenic. Last evaluated: 2026-08-01. Review status: criteria provided, single submitter. Criteria: CeGaT Center For Human Genetics Tuebingen Variant Classification Criteria Version 2. Collection method: clinical testing. Allele origin: germline. Affected: yes. Observed: 3 variant alleles.
Comment: USH2A: PM3:Very Strong, PVS1, PM2

Natera, Inc.
Classification: Pathogenic for Usher syndrome type 2A. Last evaluated: 2025-11-26. Review status: criteria provided, single submitter. Criteria: Natera Variant Classification Schema (03/2026). Collection method: clinical testing. Allele origin: germline.
Comment: The c.14131C>T variant in USH2A is a nonsense variant predicted to introduce a stop codon at amino acid 4711. This variant is expected to result in nonsense mediated decay, truncation, or a dysfunctional protein product. This variant is rare in the general population with a frequency below the threshold expected for the associated phenotype(s). This variant has been observed in one or more individuals affected with the associated recessive disease, as either homozygous or compound heterozygous with a second variant (PMID: 27318125). Given the available evidence, this variant is classified as Pathogenic.

Centre of Medical Genetics, University Hospital Muenster
Classification: Pathogenic. Last evaluated: 2025-09-08. Review status: criteria provided, single submitter. Criteria: ACMG Guidelines, 2015. Collection method: clinical testing. Allele origin: unknown. Affected: yes. Observed: 1 variant allele, 1 heterozygote.
Comment: ACMG categories: PVS1,PM2_sup,PM3_strong

Mayo Clinic Laboratories, Mayo Clinic
Classification: Pathogenic. Last evaluated: 2025-06-11. Review status: criteria provided, single submitter. Criteria: ACMG Guidelines, 2015. Collection method: clinical testing. Allele origin: germline. Observed: 1 variant allele.
Comment: PM2_moderate, PM3_strong, PVS1

Labcorp Genetics (formerly Invitae), Labcorp
Classification: Pathogenic. Last evaluated: 2025-05-05. Review status: criteria provided, single submitter. Criteria: Invitae Variant Classification Sherloc (09022015). Collection method: clinical testing. Allele origin: germline.
Comment: This sequence change creates a premature translational stop signal (p.Gln4711*) in the USH2A gene. It is expected to result in an absent or disrupted protein product. Loss-of-function variants in USH2A are known to be pathogenic (PMID: 10729113, 10909849, 20507924, 25649381). This variant is present in population databases (rs747063294, gnomAD 0.0009%). This premature translational stop signal has been observed in individual(s) with Usher syndrome (PMID: 25097241, 28559085). In at least one individual the data is consistent with being in trans (on the opposite chromosome) from a pathogenic variant. ClinVar contains an entry for this variant (Variation ID: 554236). For these reasons, this variant has been classified as Pathogenic.

Fulgent Genetics
Classification: Pathogenic for Usher syndrome type 2A; Retinitis pigmentosa 39. Last evaluated: 2024-04-29. Review status: criteria provided, single submitter. Criteria: ACMG Guidelines, 2015. Collection method: clinical testing. Allele origin: germline.

Baylor Genetics
Classification: Pathogenic for Retinitis pigmentosa 39. Last evaluated: 2024-03-16. Review status: criteria provided, single submitter. Criteria: ACMG Guidelines, 2015. Collection method: clinical testing. Allele origin: unknown.

Genome-Nilou Lab
Classification: Pathogenic for Retinitis pigmentosa 39. Last evaluated: 2023-11-04. Review status: criteria provided, single submitter. Criteria: ACMG Guidelines, 2015. Collection method: clinical testing. Allele origin: germline. Affected: no.

Genome-Nilou Lab
Classification: Pathogenic for Usher syndrome type 2A. Last evaluated: 2023-11-04. Review status: criteria provided, single submitter. Criteria: ACMG Guidelines, 2015. Collection method: clinical testing. Allele origin: germline. Affected: no.

Blueprint Genetics
Classification: Pathogenic for USH2A-related disorders. Last evaluated: 2023-07-05. Review status: criteria provided, single submitter. Criteria: ACMG Guidelines, 2015. Collection method: clinical testing. Allele origin: germline. Affected: yes. Observed: 3 variant alleles.

GeneDx
Classification: Pathogenic. Last evaluated: 2022-08-05. Review status: criteria provided, single submitter. Criteria: GeneDx Variant Classification Process June 2021. Collection method: clinical testing. Allele origin: germline. Affected: yes.
Comment: Nonsense variant predicted to result in protein truncation or nonsense mediated decay in a gene for which loss of function is a known mechanism of disease; Not observed at significant frequency in large population cohorts (gnomAD); This variant is associated with the following publications: (PMID: 25525159, 27318125, 25333064, 18641288, 28559085, 25097241, 28944237, 20507924)

Clinical Genetics Laboratory, Skane University Hospital Lund
Classification: Pathogenic. Last evaluated: 2022-05-27. Review status: criteria provided, single submitter. Criteria: ACMG Guidelines, 2015. Collection method: clinical testing. Allele origin: germline. Affected: yes.

Institute of Human Genetics, Univ. Regensburg, Univ. Regensburg
Classification: Pathogenic for Retinal dystrophy. Last evaluated: 2020-01-01. Review status: criteria provided, single submitter. Criteria: ACMG Guidelines, 2015. Collection method: clinical testing. Allele origin: germline. Affected: yes.

Counsyl
Classification: Pathogenic for Usher syndrome type 2A; Retinitis pigmentosa 39. Last evaluated: 2017-10-04. Review status: no assertion criteria provided. Collection method: clinical testing. Allele origin: unknown. Not counted in ClinVar's aggregate classification.

Clinical Genetics DNA and cytogenetics Diagnostics Lab, Erasmus MC, Erasmus Medical Center
Classification: Pathogenic. Review status: no assertion criteria provided. Collection method: clinical testing. Allele origin: germline. Affected: yes. Study: VKGL Data-share Consensus. Not counted in ClinVar's aggregate classification.

Clinical Genetics, Academic Medical Center
Classification: Pathogenic. Review status: no assertion criteria provided. Collection method: clinical testing. Allele origin: germline. Affected: yes. Study: VKGL Data-share Consensus. Not counted in ClinVar's aggregate classification.

Joint Genome Diagnostic Labs from Nijmegen and Maastricht, Radboudumc and MUMC+
Classification: Pathogenic. Review status: no assertion criteria provided. Collection method: clinical testing. Allele origin: germline. Affected: yes. Study: VKGL Data-share Consensus. Not counted in ClinVar's aggregate classification.

Literature cited by the submitters: PubMed 27318125 (cited by 3 submitters); PubMed 18641288 (cited by Mayo Clinic Laboratories, Mayo Clinic); PubMed 20507924 (cited by 3 submitters); PubMed 25097241 (cited by 4 submitters); PubMed 28559085 (cited by 3 submitters); PubMed 28944237 (cited by Mayo Clinic Laboratories, Mayo Clinic); PubMed 31964843 (cited by Mayo Clinic Laboratories, Mayo Clinic and Institute of Human Genetics, Univ. Regensburg, Univ. Regensburg); PubMed 34948090 (cited by Mayo Clinic Laboratories, Mayo Clinic and Institute of Human Genetics, Univ. Regensburg, Univ. Regensburg); PubMed 35266249 (cited by Mayo Clinic Laboratories, Mayo Clinic and Institute of Human Genetics, Univ. Regensburg, Univ. Regensburg); PubMed 10729113 (cited by Labcorp Genetics (formerly Invitae), Labcorp); PubMed 10909849 (cited by Labcorp Genetics (formerly Invitae), Labcorp); PubMed 25649381 (cited by Labcorp Genetics (formerly Invitae), Labcorp); PubMed 25525159 (cited by Institute of Human Genetics, Univ. Regensburg, Univ. Regensburg).